The following is an entry in ClinVar:

NM_000435.3(NOTCH3):c.3749G>C (p.Cys1250Ser)

Gene: NOTCH3 (notch receptor 3; minus strand). Cytogenetic location: 19p13.12.
Variant type: single nucleotide variant.
Coding change: c.3749G>C on transcript NM_000435.3 (MANE Select); coding-DNA position 3749, G replaced by C.
Protein change: p.Cys1250Ser; replaces cysteine 1250 with serine.
Molecular consequence: missense variant.
Genome position (GRCh38, 1-based): chr19:15,178,911, C>G on the plus strand (G>C on the coding strand, the complement: NOTCH3 is on the minus strand). VCF-style: chr19-15178911-C-G. GRCh37 (hg19) VCF-style: chr19-15289722-C-G.
Other names: short protein forms C1250S.
Identifiers: ClinVar variation 4852270 (VCV004852270.1).

ClinVar aggregate classification (germline): Likely benign (1 of 4 stars; one submission).

Conditions:
Lateral meningocele syndrome (LMNS). Also called: NOTCH3-Related Lateral Meningocele Syndrome. Identifiers: Orphanet 2789, MedGen C1851710, MONDO:0007537, OMIM 130720.

Submission:

Centre for Medical Genetics,  Mumbai
Classification: Likely benign for Lateral meningocele syndrome. Last evaluated: 2026-04-27. Review status: criteria provided, single submitter. Criteria: ACMG Guidelines, 2015. Collection method: provider interpretation. Allele origin: germline. Inheritance: Autosomal dominant inheritance. Affected: no. Observed: 1 variant allele, 1 heterozygote.
Comment: The variant satisfies PM2 criteria - extremely low frequency in gnomAD population databases. The variant satisfies PP2 criteria - missense variant in a gene with low rate of benign missense mutations and for which missense mutation is a common mechanism of a disease. The variant satisfies PP3 criteria - for a missense or a splicing region variant, computational prediction tools unanimously support a deleterious effect on the gene. However, the variant satisfies BS2 criteria - present in heterozygous state in an individual that clinically does not have Lateral meningocele syndrome.

Literature cited by the submitters: PubMed 15666314.